The following is an entry in ClinVar:

NM_018124.4(RFWD3):c.634A>G (p.Ser212Gly)

Gene: RFWD3 (ring finger and WD repeat domain 3; minus strand). Cytogenetic location: 16q23.1.
Variant type: single nucleotide variant.
Coding change: c.634A>G on transcript NM_018124.4 (MANE Select); coding-DNA position 634, A replaced by G.
Protein change: p.Ser212Gly; replaces serine 212 with glycine.
Molecular consequence: missense variant. On other transcripts: 5 prime UTR variant (4), intron variant (1).
Genome position (GRCh38, 1-based): chr16:74,652,007, T>C on the plus strand (A>G on the coding strand, the complement: RFWD3 is on the minus strand). VCF-style: chr16-74652007-T-C. GRCh37 (hg19) VCF-style: chr16-74685905-T-C.
Other names: c.634A>G, p.Ser212Gly (NM_001370534.1, NM_001370535.1, NM_001370536.1); c.-375A>G (NM_001370537.1); c.-201A>G (NM_001370540.1); c.-252A>G (NM_001370542.1); c.-130A>G (NM_001370543.1); c.-113-2805A>G (NM_001370539.1); short protein forms S212G.
Identifiers: ClinVar variation 2414931 (VCV002414931.6), dbSNP rs751615664, ClinGen allele CA8169502.

ClinVar aggregate classification (germline): Uncertain significance (1 of 4 stars; one submission).

Allele frequency attached by ClinVar (database versions not stated): gnomAD exomes 0.00001; gnomAD 0.00002; ExAC 0.00005.
gnomAD v4.1: 19 of 1,613,986 alleles (0.0012%); highest among the groups gnomAD compares: South Asian, 0.014%; no homozygotes.

Submission:

Labcorp Genetics (formerly Invitae), Labcorp
Classification: Uncertain significance. Last evaluated: 2023-01-16. Review status: criteria provided, single submitter. Criteria: Invitae Variant Classification Sherloc (09022015). Collection method: clinical testing. Allele origin: germline.
Comment: In summary, the available evidence is currently insufficient to determine the role of this variant in disease. Therefore, it has been classified as a Variant of Uncertain Significance. Algorithms developed to predict the effect of missense changes on protein structure and function output the following: SIFT: "Tolerated"; PolyPhen-2: "Benign"; Align-GVGD: "Class C0". The glycine amino acid residue is found in multiple mammalian species, which suggests that this missense change does not adversely affect protein function. This variant has not been reported in the literature in individuals affected with RFWD3-related conditions. This variant is present in population databases (rs751615664, gnomAD 0.02%). This sequence change replaces serine, which is neutral and polar, with glycine, which is neutral and non-polar, at codon 212 of the RFWD3 protein (p.Ser212Gly).